The following is an entry in ClinVar:

ClinVar aggregate classification (germline): Uncertain significance (1 of 4 stars; one submission).

Submission:

Labcorp Genetics (formerly Invitae), Labcorp
Classification: Uncertain significance. Last evaluated: 2024-10-14. Review status: criteria provided, single submitter. Criteria: Invitae Variant Classification Sherloc (09022015). Collection method: clinical testing. Allele origin: germline.
Comment: This sequence change replaces threonine, which is neutral and polar, with arginine, which is basic and polar, at codon 1552 of the TTC37 protein (p.Thr1552Arg). This variant is not present in population databases (gnomAD no frequency). This variant has not been reported in the literature in individuals affected with TTC37-related conditions. ClinVar contains an entry for this variant (Variation ID: 1912045). An algorithm developed to predict the effect of missense changes on protein structure and function (PolyPhen-2) suggests that this variant is likely to be tolerated. In summary, the available evidence is currently insufficient to determine the role of this variant in disease. Therefore, it has been classified as a Variant of Uncertain Significance.

NM_014639.4(SKIC3):c.4655C>G (p.Thr1552Arg)

Gene: SKIC3 (SKI3 subunit of superkiller complex; minus strand). Cytogenetic location: 5q15.
Variant type: single nucleotide variant.
Coding change: c.4655C>G on transcript NM_014639.4 (MANE Select); coding-DNA position 4655, C replaced by G.
Protein change: p.Thr1552Arg; replaces threonine 1552 with arginine.
Molecular consequence: missense variant.
Genome position (GRCh38, 1-based): chr5:95,464,647, G>C on the plus strand (C>G on the coding strand, the complement: SKIC3 is on the minus strand). VCF-style: chr5-95464647-G-C. GRCh37 (hg19) VCF-style: chr5-94800351-G-C.
Other names: short protein forms T1552R.
Identifiers: ClinVar variation 1912045 (VCV001912045.4), dbSNP rs2530661816, ClinGen allele CA360456804.